The following is an entry in ClinVar:

ClinVar aggregate classification (germline): Uncertain significance (1 of 4 stars; one submission).

Conditions:
Sphingolipid activator protein 1 deficiency. Also called: Saposin B Deficiency; METACHROMATIC LEUKODYSTROPHY DUE TO CEREBROSIDE SULFATASE ACTIVATOR DEFICIENCY; Metachromatic leukodystrophy due to saposin B deficiency. Identifiers: Orphanet 512, MedGen C0268262, MONDO:0009590, OMIM 249900.

gnomAD v4.1: 1 of 1,614,168 alleles (0.000062%); no homozygotes.

Submission:

Labcorp Genetics (formerly Invitae), Labcorp
Classification: Uncertain significance for Sphingolipid activator protein 1 deficiency. Last evaluated: 2025-02-24. Review status: criteria provided, single submitter. Criteria: Invitae Variant Classification Sherloc (09022015). Collection method: clinical testing. Allele origin: germline.
Comment: This sequence change replaces histidine, which is basic and polar, with arginine, which is basic and polar, at codon 521 of the PSAP protein (p.His521Arg). This variant is not present in population databases (gnomAD no frequency). This variant has not been reported in the literature in individuals affected with PSAP-related conditions. ClinVar contains an entry for this variant (Variation ID: 1995566). Invitae Evidence Modeling of protein sequence and biophysical properties (such as structural, functional, and spatial information, amino acid conservation, physicochemical variation, residue mobility, and thermodynamic stability) has been performed for this missense variant. However, the output from this modeling did not meet the statistical confidence thresholds required to predict the impact of this variant on PSAP protein function. In summary, the available evidence is currently insufficient to determine the role of this variant in disease. Therefore, it has been classified as a Variant of Uncertain Significance.

NM_002778.4(PSAP):c.1562A>G (p.His521Arg)

Gene: PSAP (prosaposin; minus strand). Cytogenetic location: 10q22.1.
Variant type: single nucleotide variant.
Coding change: c.1562A>G on transcript NM_002778.4 (MANE Select); coding-DNA position 1562, A replaced by G.
Protein change: p.His521Arg; replaces histidine 521 with arginine.
Molecular consequence: missense variant.
Genome position (GRCh38, 1-based): chr10:71,817,454, T>C on the plus strand (A>G on the coding strand, the complement: PSAP is on the minus strand). VCF-style: chr10-71817454-T-C. GRCh37 (hg19) VCF-style: chr10-73577211-T-C.
Other names: c.1571A>G, p.His524Arg (NM_001042465.3); c.1568A>G, p.His523Arg (NM_001042466.3); short protein forms H523R, H524R, H521R.
Identifiers: ClinVar variation 1995566 (VCV001995566.3), dbSNP rs1280978481, ClinGen allele CA377139749.